The following is an entry in ClinVar:

ClinVar aggregate classification (germline): Uncertain significance. Review status: criteria provided, multiple submitters, no conflicts (2 of 4 stars). 2 submissions from 2 submitters: Uncertain significance (2). Last evaluated 2024-05-24.

Conditions:
Inborn genetic diseases. Identifiers: MedGen C0950123, MeSH D030342.

Allele frequency attached by ClinVar (database versions not stated): ExAC 0.00001; gnomAD exomes 0.00001; TOPMed 0.00001.
gnomAD v4.1: 13 of 1,613,852 alleles (0.00081%); highest among the groups gnomAD compares: Non-Finnish European, 0.0011%; no homozygotes.

Submissions (2):

GeneDx
Classification: Uncertain significance. Last evaluated: 2024-05-24. Review status: criteria provided, single submitter. Criteria: GeneDx Variant Classification Process June 2021. Collection method: clinical testing. Allele origin: germline. Affected: yes.
Comment: Not observed at significant frequency in large population cohorts (gnomAD); In silico analysis indicates that this missense variant does not alter protein structure/function; Has not been previously published as pathogenic or benign to our knowledge

Ambry Genetics
Classification: Uncertain significance for Inborn genetic diseases. Last evaluated: 2023-12-17. Review status: criteria provided, single submitter. Criteria: Ambry Variant Classification Scheme 2023. Collection method: clinical testing. Allele origin: germline.

NM_017775.4(TTC19):c.618T>G (p.Ile206Met)

Gene: TTC19 (tetratricopeptide repeat domain 19; plus strand). Cytogenetic location: 17p12.
Variant type: single nucleotide variant.
Coding change: c.618T>G on transcript NM_017775.4 (MANE Select); coding-DNA position 618, T replaced by G.
Protein change: p.Ile206Met; replaces isoleucine 206 with methionine.
Molecular consequence: missense variant.
Genome position (GRCh38, 1-based): chr17:16,006,510, T>G. VCF-style: chr17-16006510-T-G. GRCh37 (hg19) VCF-style: chr17-15909824-T-G.
Other names: c.297T>G, p.Ile99Met (NM_001271420.2); c.618T>G (NM_017775.3); short protein forms I99M, I206M.
Identifiers: ClinVar variation 3184142 (VCV003184142.2), dbSNP rs747453007, ClinGen allele CA8407469.
Genomic context (GRCh38, chr17:16,006,510, plus strand): 5'-CTGATTATTGATTTTGCTTTACAGACAGGAATTTGCTGTTGCTGGCTATGAATTCTGCAT[T>G]TCAACTCTAGAGGAAAAAATTGAAAGAGAAAAGGAATTAGCAGAAGACATTATGTCAGGT-3'
Protein context (NP_060245.3, residues 196-216): EFAVAGYEFC[Ile206Met]STLEEKIERE